The following is an entry in ClinVar:

NM_001170629.2(CHD8):c.5213T>C (p.Phe1738Ser)

Gene: CHD8 (chromodomain helicase DNA binding protein 8; minus strand). Cytogenetic location: 14q11.2.
Variant type: single nucleotide variant.
Coding change: c.5213T>C on transcript NM_001170629.2 (MANE Select); coding-DNA position 5213, T replaced by C.
Protein change: p.Phe1738Ser; replaces phenylalanine 1738 with serine.
Molecular consequence: missense variant.
Genome position (GRCh38, 1-based): chr14:21,395,089, A>G on the plus strand (T>C on the coding strand, the complement: CHD8 is on the minus strand). VCF-style: chr14-21395089-A-G. GRCh37 (hg19) VCF-style: chr14-21863248-A-G.
Other names: c.4376T>C, p.Phe1459Ser (NM_020920.4); short protein forms F1459S, F1738S.
Identifiers: ClinVar variation 2798421 (VCV002798421.3), dbSNP rs2501863402, ClinGen allele CA388884253.

ClinVar aggregate classification (germline): Uncertain significance (1 of 4 stars; one submission).

Submission:

Labcorp Genetics (formerly Invitae), Labcorp
Classification: Uncertain significance. Last evaluated: 2024-01-04. Review status: criteria provided, single submitter. Criteria: Invitae Variant Classification Sherloc (09022015). Collection method: clinical testing. Allele origin: germline.
Comment: This sequence change replaces phenylalanine, which is neutral and non-polar, with serine, which is neutral and polar, at codon 1738 of the CHD8 protein (p.Phe1738Ser). This variant is not present in population databases (gnomAD no frequency). This variant has not been reported in the literature in individuals affected with CHD8-related conditions. Advanced modeling of protein sequence and biophysical properties (such as structural, functional, and spatial information, amino acid conservation, physicochemical variation, residue mobility, and thermodynamic stability) performed at Invitae indicates that this missense variant is not expected to disrupt CHD8 protein function with a negative predictive value of 80%. In summary, the available evidence is currently insufficient to determine the role of this variant in disease. Therefore, it has been classified as a Variant of Uncertain Significance.